The following is an entry in ClinVar:

ClinVar aggregate classification (germline): Conflicting classifications of pathogenicity. Review status: criteria provided, conflicting classifications (1 of 4 stars). 5 submissions from 5 submitters: Uncertain significance (3); Likely benign (2). Last evaluated 2025-10-23.

Conditions:
Developmental and epileptic encephalopathy, 5 (DEE5). Identifiers: Orphanet 3451, MedGen C3150731, MONDO:0013277, OMIM 613477.
Early-infantile DEE. Also called: Ohtahara syndrome; Early infantile epileptic encephalopathy with suppression bursts; Early infantile epileptic encephalopathy. Identifiers: Orphanet 1934, MedGen C0393706, MONDO:0800491.

Allele frequency attached by ClinVar (database versions not stated): ExAC 0.00004; gnomAD exomes 0.00005 and 0.00014; gnomAD 0.00006 and 0.00007; TOPMed 0.00006; ESP Exome Variant Server 0.00015.
gnomAD v4.1: 220 of 1,613,982 alleles (0.014%); highest among the groups gnomAD compares: Non-Finnish European, 0.017%; no homozygotes.

Submissions (5):

Labcorp Genetics (formerly Invitae), Labcorp
Classification: Uncertain significance for Early-infantile DEE. Last evaluated: 2025-10-23. Review status: criteria provided, single submitter. Criteria: Invitae Variant Classification Sherloc (09022015). Collection method: clinical testing. Allele origin: germline.
Comment: This sequence change replaces methionine, which is neutral and non-polar, with threonine, which is neutral and polar, at codon 2400 of the SPTAN1 protein (p.Met2400Thr). This variant is present in population databases (rs145054594, gnomAD 0.01%). This missense change has been observed in individual(s) with clinical features of SPTAN1-related conditions (PMID: 28199897; internal data). ClinVar contains an entry for this variant (Variation ID: 680381). Invitae Evidence Modeling of protein sequence and biophysical properties (such as structural, functional, and spatial information, amino acid conservation, physicochemical variation, residue mobility, and thermodynamic stability) has been performed for this missense variant. However, the output from this modeling did not meet the statistical confidence thresholds required to predict the impact of this variant on SPTAN1 protein function. In summary, the available evidence is currently insufficient to determine the role of this variant in disease. Therefore, it has been classified as a Variant of Uncertain Significance.

CeGaT Center for Human Genetics Tuebingen
Classification: Likely benign. Last evaluated: 2025-06-01. Review status: criteria provided, single submitter. Criteria: CeGaT Center For Human Genetics Tuebingen Variant Classification Criteria Version 2. Collection method: clinical testing. Allele origin: germline. Affected: yes. Observed: 3 variant alleles.
Comment: SPTAN1: PP3, BS2

Mayo Clinic Laboratories, Mayo Clinic
Classification: Uncertain significance. Last evaluated: 2024-03-06. Review status: criteria provided, single submitter. Criteria: ACMG Guidelines, 2015. Collection method: clinical testing. Allele origin: germline. Observed: 1 variant allele.
Comment: BS2, PP2, PP3

Genome-Nilou Lab
Classification: Uncertain significance for Developmental and epileptic encephalopathy, 5. Last evaluated: 2021-07-15. Review status: criteria provided, single submitter. Criteria: ACMG Guidelines, 2015. Collection method: clinical testing. Allele origin: germline. Affected: no.

GeneDx
Classification: Likely benign. Last evaluated: 2020-01-27. Review status: criteria provided, single submitter. Criteria: GeneDx Variant Classification Process June 2021. Collection method: clinical testing. Allele origin: germline. Affected: yes.
Comment: This variant is associated with the following publications: (PMID: 28199897)

Literature cited by the submitters: PubMed 28199897 (cited by Labcorp Genetics (formerly Invitae), Labcorp and Mayo Clinic Laboratories, Mayo Clinic).

NM_001130438.3(SPTAN1):c.7199T>C (p.Met2400Thr)

Gene: SPTAN1 (spectrin alpha, non-erythrocytic 1; plus strand). Cytogenetic location: 9q34.11.
Variant type: single nucleotide variant.
Coding change: c.7199T>C on transcript NM_001130438.3 (MANE Select); coding-DNA position 7199, T replaced by C.
Protein change: p.Met2400Thr; replaces methionine 2400 with threonine.
Molecular consequence: missense variant.
Genome position (GRCh38, 1-based): chr9:128,632,846, T>C. VCF-style: chr9-128632846-T-C. GRCh37 (hg19) VCF-style: chr9-131395125-T-C.
Other names: p.Met2400Thr; c.7124T>C, p.Met2375Thr (NM_001195532.2); c.7262T>C, p.Met2421Thr (NM_001363759.2); c.7139T>C, p.Met2380Thr (NM_001363765.2); c.7184T>C, p.Met2395Thr (NM_003127.4); short protein forms M2380T, M2421T, M2395T, M2375T, M2400T.
Identifiers: ClinVar variation 680381 (VCV000680381.53), dbSNP rs145054594, ClinGen allele CA5266033.
Genomic context (GRCh38, chr9:128,632,846, plus strand): 5'-CTCTTGCTTCCCCCGCTCCTAGAGATGGCCATGTCTCCTTGCAAGAATACATGGCTTTCA[T>C]GATCAGCCGCGAAACTGAGAACGTCAAGTCCAGCGAGGAGATTGAGAGCGCCTTCCGGGC-3'
Protein context (NP_001123910.1, residues 2390-2410): HVSLQEYMAF[Met2400Thr]ISRETENVKS